The following is an entry in ClinVar:

NM_015215.4(CAMTA1):c.1413C>A (p.Asp471Glu)

Gene: CAMTA1 (calmodulin binding transcription activator 1; plus strand). Cytogenetic location: 1p36.23.
Variant type: single nucleotide variant.
Coding change: c.1413C>A on transcript NM_015215.4 (MANE Select); coding-DNA position 1413, C replaced by A.
Protein change: p.Asp471Glu; replaces aspartic acid 471 with glutamic acid.
Molecular consequence: missense variant.
Genome position (GRCh38, 1-based): chr1:7,663,960, C>A. VCF-style: chr1-7663960-C-A. GRCh37 (hg19) VCF-style: chr1-7724020-C-A.
Other names: c.1323C>A, p.Asp441Glu (NM_001349608.2, NM_001349612.2); c.1413C>A, p.Asp471Glu (NM_001349609.2, NM_001349610.2, NM_001410737.1); c.1341C>A, p.Asp447Glu (NM_001410738.1); short protein forms D441E, D447E, D471E.
Identifiers: ClinVar variation 3776388 (VCV003776388.1).

ClinVar aggregate classification (germline): Uncertain significance (1 of 4 stars; one submission).

Submission:

GeneDx
Classification: Uncertain significance. Last evaluated: 2024-10-01. Review status: criteria provided, single submitter. Criteria: GeneDx Variant Classification Process June 2021. Collection method: clinical testing. Allele origin: germline. Affected: yes.
Comment: Not observed at significant frequency in large population cohorts (gnomAD); In silico analysis indicates that this missense variant does not alter protein structure/function; Has not been previously published as pathogenic or benign to our knowledge